The following is an entry in ClinVar:

ClinVar aggregate classification (germline): Uncertain significance (1 of 4 stars; one submission).

Conditions:
Inborn genetic diseases. Identifiers: MedGen C0950123, MeSH D030342.

gnomAD v4.1: 1 of 1,613,930 alleles (0.000062%); highest among the groups gnomAD compares: Non-Finnish European, 0.000085%; no homozygotes.

Submission:

Ambry Genetics
Classification: Uncertain significance for Inborn genetic diseases. Last evaluated: 2025-05-17. Review status: criteria provided, single submitter. Criteria: Ambry Variant Classification Scheme 2023. Collection method: clinical testing. Allele origin: germline.
Comment: The p.N1059D variant (also known as c.3175A>G), located in coding exon 24 of the ANKRD26 gene, results from an A to G substitution at nucleotide position 3175. The asparagine at codon 1059 is replaced by aspartic acid, an amino acid with highly similar properties. This amino acid position is conserved. In addition, this alteration is predicted to be tolerated by in silico analysis. Based on the available evidence, the clinical significance of this variant remains unclear.

NM_014915.3(ANKRD26):c.3175A>G (p.Asn1059Asp)

Gene: ANKRD26 (ankyrin repeat domain containing 26; minus strand). Cytogenetic location: 10p12.1.
Variant type: single nucleotide variant.
Coding change: c.3175A>G on transcript NM_014915.3 (MANE Select); coding-DNA position 3175, A replaced by G.
Protein change: p.Asn1059Asp; replaces asparagine 1059 with aspartic acid.
Molecular consequence: missense variant.
Genome position (GRCh38, 1-based): chr10:27,035,275, T>C on the plus strand (A>G on the coding strand, the complement: ANKRD26 is on the minus strand). VCF-style: chr10-27035275-T-C. GRCh37 (hg19) VCF-style: chr10-27324204-T-C.
Other names: c.3172A>G, p.Asn1058Asp (NM_001256053.2); short protein forms N1058D, N1059D.
Identifiers: ClinVar variation 3914527 (VCV003914527.1).